The following is an entry in ClinVar:

ClinVar aggregate classification (germline): Conflicting classifications of pathogenicity. Review status: criteria provided, conflicting classifications (1 of 4 stars). 2 submissions from 2 submitters: Uncertain significance (1); Likely benign (1). Last evaluated 2024-01-07.

Conditions:
Renal cell carcinoma. Identifiers: Orphanet 217071, MedGen C0007134, MeSH D002292, MONDO:0005086, HP:0005584.
Hereditary cancer-predisposing syndrome. Also called: Hereditary Cancer Syndrome; Neoplastic Syndromes, Hereditary; Tumor predisposition; Hereditary neoplastic syndrome. Identifiers: Orphanet 140162, MedGen C0027672, MeSH D009386, MONDO:0015356.

Submissions (2):

Ambry Genetics
Classification: Likely benign for Hereditary cancer-predisposing syndrome. Last evaluated: 2024-01-07. Review status: criteria provided, single submitter. Criteria: Ambry Variant Classification Scheme 2023. Collection method: clinical testing. Allele origin: germline.

Labcorp Genetics (formerly Invitae), Labcorp
Classification: Uncertain significance for Renal cell carcinoma. Last evaluated: 2022-05-03. Review status: criteria provided, single submitter. Criteria: Invitae Variant Classification Sherloc (09022015). Collection method: clinical testing. Allele origin: germline.
Comment: This variant has not been reported in the literature in individuals affected with MET-related conditions. This variant is not present in population databases (gnomAD no frequency). This sequence change replaces alanine, which is neutral and non-polar, with valine, which is neutral and non-polar, at codon 1393 of the MET protein (p.Ala1393Val). Algorithms developed to predict the effect of missense changes on protein structure and function output the following: SIFT: "Tolerated"; PolyPhen-2: "Benign"; Align-GVGD: "Class C0". The valine amino acid residue is found in multiple mammalian species, which suggests that this missense change does not adversely affect protein function. In summary, the available evidence is currently insufficient to determine the role of this variant in disease. Therefore, it has been classified as a Variant of Uncertain Significance.

NM_000245.4(MET):c.4124C>T (p.Ala1375Val)

Gene: MET (MET proto-oncogene, receptor tyrosine kinase; plus strand). Cytogenetic location: 7q31.2.
Variant type: single nucleotide variant.
Coding change: c.4124C>T on transcript NM_000245.4 (MANE Select); coding-DNA position 4124, C replaced by T.
Protein change: p.Ala1375Val; replaces alanine 1375 with valine.
Molecular consequence: missense variant.
Genome position (GRCh38, 1-based): chr7:116,796,075, C>T. VCF-style: chr7-116796075-C-T. GRCh37 (hg19) VCF-style: chr7-116436129-C-T.
Other names: c.4178C>T, p.Ala1393Val (NM_001127500.3); c.2834C>T, p.Ala945Val (NM_001324402.2); short protein forms A945V, A1375V, A1393V.
Identifiers: ClinVar variation 1977780 (VCV001977780.6), dbSNP rs2117113363, ClinGen allele CA369118443.